The following is an entry in ClinVar:

NM_005228.5(EGFR):c.609A>T (p.Gly203=)

Gene: EGFR (epidermal growth factor receptor; plus strand). Cytogenetic location: 7p11.2.
Variant type: single nucleotide variant.
Coding change: c.609A>T on transcript NM_005228.5 (MANE Select); coding-DNA position 609, A replaced by T.
Protein change: p.Gly203=; no amino-acid change (glycine 203 retained).
Molecular consequence: synonymous variant. On other transcripts: intron variant (1).
Genome position (GRCh38, 1-based): chr7:55,151,343, A>T. VCF-style: chr7-55151343-A-T. GRCh37 (hg19) VCF-style: chr7-55219036-A-T.
Other names: c.609A>T, p.Gly203= (NM_001346898.2, NM_201282.2, NM_201283.2 and 1 more transcripts); c.474A>T, p.Gly158= (NM_001346899.2, NM_001346897.2); c.450A>T, p.Gly150= (NM_001346900.2); c.89-4487A>T (NM_001346941.2).
Identifiers: ClinVar variation 4842921 (VCV004842921.1).
Genomic context (GRCh38, chr7:55,151,343, plus strand): 5'-TTACATTTCAGGCCAAAAGTGTGATCCAAGCTGTCCCAATGGGAGCTGCTGGGGTGCAGG[A>T]GAGGAGAACTGCCAGAAACGTAAGTCAGTGAACAGCCTCAGACCCATGTGTGACCGCCCC-3'
Protein context (NP_005219.2, residues 193-213): SCPNGSCWGA[Gly203=]EENCQKLTKI

ClinVar aggregate classification (germline): Uncertain significance (1 of 4 stars; one submission).

Conditions:
Hereditary cancer-predisposing syndrome. Also called: Neoplastic Syndromes, Hereditary; Tumor predisposition; Hereditary Cancer Syndrome; Hereditary neoplastic syndrome. Identifiers: Orphanet 140162, MedGen C0027672, MeSH D009386, MONDO:0015356.

gnomAD v4.1: 1 of 1,614,194 alleles (0.000062%); highest among the groups gnomAD compares: Non-Finnish European, 0.000085%; no homozygotes.

Submission:

Ambry Genetics
Classification: Uncertain significance for Hereditary cancer-predisposing syndrome. Last evaluated: 2026-01-06. Review status: criteria provided, single submitter. Criteria: Ambry Variant Classification Scheme 2023. Collection method: clinical testing. Allele origin: germline.
Comment: The c.609A>T variant (also known as p.G203G), located in coding exon 5 of the EGFR gene, results from an A to T substitution at nucleotide position 609. This nucleotide substitution does not change the amino acid at codon 203. This nucleotide position is not well conserved in available vertebrate species. In silico splice site analysis predicts that this alteration may weaken the native splice donor site and will result in the creation or strengthening of a novel splice donor site. Based on the available evidence, the clinical significance of this variant remains unclear.